The following is an entry in ClinVar:

NM_000059.4(BRCA2):c.1853C>T (p.Ala618Val)

Gene: BRCA2 (BRCA2 DNA repair associated; plus strand). Cytogenetic location: 13q13.1.
Variant type: single nucleotide variant.
Coding change: c.1853C>T on transcript NM_000059.4 (MANE Select); coding-DNA position 1853, C replaced by T.
Protein change: p.Ala618Val; replaces alanine 618 with valine.
Molecular consequence: missense variant.
Genome position (GRCh38, 1-based): chr13:32,333,331, C>T. VCF-style: chr13-32333331-C-T. GRCh37 (hg19) VCF-style: chr13-32907468-C-T.
Other names: c.1853C>T (NM_000059.3); short protein forms A618V.
Identifiers: ClinVar variation 1493446 (VCV001493446.11), dbSNP rs2137475672, ClinGen allele CA387766402.

ClinVar aggregate classification (germline): Conflicting classifications of pathogenicity. Review status: criteria provided, conflicting classifications (1 of 4 stars). 3 submissions from 3 submitters: Uncertain significance (1); Likely benign (2). Last evaluated 2023-11-21.

Conditions:
Hereditary cancer-predisposing syndrome. Also called: Tumor predisposition; Hereditary neoplastic syndrome; Neoplastic Syndromes, Hereditary; Hereditary Cancer Syndrome. Identifiers: Orphanet 140162, MedGen C0027672, MeSH D009386, MONDO:0015356.
Hereditary breast ovarian cancer syndrome. Also called: Hereditary breast and ovarian cancer; Hereditary breast and ovarian cancer syndrome; Hereditary breast and/or ovarian cancer syndrome; Hereditary breast and ovarian cancer syndrome (HBOC); Breast and ovarian cancer; BRCA1- and BRCA2-Associated Hereditary Breast and Ovarian Cancer. Identifiers: Orphanet 145, MedGen C0677776, MeSH D061325, MONDO:0003582. Disease mechanism: loss of function.

Submissions (3):

Ambry Genetics
Classification: Likely benign for Hereditary cancer-predisposing syndrome. Last evaluated: 2023-11-21. Review status: criteria provided, single submitter. Criteria: Ambry Variant Classification Scheme 2023. Collection method: clinical testing. Allele origin: germline.

University of Washington Department of Laboratory Medicine, University of Washington
Classification: Likely benign for Hereditary cancer-predisposing syndrome. Last evaluated: 2023-03-23. Review status: criteria provided, single submitter. Criteria: Dines et al. (Genet Med. 2020). Collection method: curation. Allele origin: germline.
Comment: Missense variant in a coldspot region where missense variants are very unlikely to be pathogenic (PMID:31911673).

BRCA2 exon 10 coldspot. Reclassification based on statistical prior probability.

Labcorp Genetics (formerly Invitae), Labcorp
Classification: Uncertain significance for Hereditary breast ovarian cancer syndrome. Last evaluated: 2022-05-05. Review status: criteria provided, single submitter. Criteria: Invitae Variant Classification Sherloc (09022015). Collection method: clinical testing. Allele origin: germline.
Comment: In summary, the available evidence is currently insufficient to determine the role of this variant in disease. Therefore, it has been classified as a Variant of Uncertain Significance. Advanced modeling of protein sequence and biophysical properties (such as structural, functional, and spatial information, amino acid conservation, physicochemical variation, residue mobility, and thermodynamic stability) performed at Invitae indicates that this missense variant is not expected to disrupt BRCA2 protein function. This variant has not been reported in the literature in individuals affected with BRCA2-related conditions. This variant is not present in population databases (gnomAD no frequency). This sequence change replaces alanine, which is neutral and non-polar, with valine, which is neutral and non-polar, at codon 618 of the BRCA2 protein (p.Ala618Val).